The following is an entry in ClinVar:

ClinVar aggregate classification (germline): Uncertain significance. Review status: criteria provided, multiple submitters, no conflicts (2 of 4 stars). 3 submissions from 3 submitters: Uncertain significance (3). Last evaluated 2024-12-22.

Conditions:
Fanconi anemia (FA). Also called: Fanconi's anemia. Identifiers: Orphanet 84, MedGen C0015625, MeSH D005199, MONDO:0019391.
Inborn genetic diseases. Identifiers: MedGen C0950123, MeSH D030342.
Fanconi anemia complementation group A (FANCA). Also called: FANCA-Related Fanconi Anemia; Fanconi anemia, group A. Identifiers: Orphanet 84, MedGen C3469521, MONDO:0009215, OMIM 227650.

Allele frequency attached by ClinVar (database versions not stated): gnomAD 0.00001.
gnomAD v4.1: 1 of 1,613,882 alleles (0.000062%); highest among the groups gnomAD compares: East Asian, 0.0022%; no homozygotes.

Submissions (3):

Ambry Genetics
Classification: Uncertain significance for Inborn genetic diseases. Last evaluated: 2024-12-22. Review status: criteria provided, single submitter. Criteria: Ambry Variant Classification Scheme 2023. Collection method: clinical testing. Allele origin: germline.
Comment: The p.Q226E variant (also known as c.676C>G), located in coding exon 7 of the FANCA gene, results from a C to G substitution at nucleotide position 676. The glutamine at codon 226 is replaced by glutamic acid, an amino acid with highly similar properties. This amino acid position is conserved. In addition, this alteration is predicted to be tolerated by in silico analysis. Based on the available evidence, the clinical significance of this variant remains unclear.

Labcorp Genetics (formerly Invitae), Labcorp
Classification: Uncertain significance for Fanconi anemia. Last evaluated: 2024-05-29. Review status: criteria provided, single submitter. Criteria: Invitae Variant Classification Sherloc (09022015). Collection method: clinical testing. Allele origin: germline.
Comment: This sequence change replaces glutamine, which is neutral and polar, with glutamic acid, which is acidic and polar, at codon 226 of the FANCA protein (p.Gln226Glu). This variant is not present in population databases (gnomAD no frequency). This variant has not been reported in the literature in individuals affected with FANCA-related conditions. ClinVar contains an entry for this variant (Variation ID: 659226). Advanced modeling of protein sequence and biophysical properties (such as structural, functional, and spatial information, amino acid conservation, physicochemical variation, residue mobility, and thermodynamic stability) performed at Invitae indicates that this missense variant is not expected to disrupt FANCA protein function with a negative predictive value of 80%. In summary, the available evidence is currently insufficient to determine the role of this variant in disease. Therefore, it has been classified as a Variant of Uncertain Significance.

Fulgent Genetics
Classification: Uncertain significance for Fanconi anemia complementation group A. Last evaluated: 2021-10-30. Review status: criteria provided, single submitter. Criteria: ACMG Guidelines, 2015. Collection method: clinical testing. Allele origin: unknown.

NM_000135.4(FANCA):c.676C>G (p.Gln226Glu)

Gene: FANCA (FA complementation group A; minus strand). Cytogenetic location: 16q24.3.
Variant type: single nucleotide variant.
Coding change: c.676C>G on transcript NM_000135.4 (MANE Select); coding-DNA position 676, C replaced by G.
Protein change: p.Gln226Glu; replaces glutamine 226 with glutamic acid.
Molecular consequence: missense variant.
Genome position (GRCh38, 1-based): chr16:89,805,313, G>C on the plus strand (C>G on the coding strand, the complement: FANCA is on the minus strand). VCF-style: chr16-89805313-G-C. GRCh37 (hg19) VCF-style: chr16-89871721-G-C.
Other names: c.676C>G (LRG_495t1); c.676C>G, p.Gln226Glu (NM_001018112.3, NM_001286167.3); c.580C>G, p.Gln194Glu (NM_001351830.2); short protein forms Q194E, Q226E.
Identifiers: ClinVar variation 659226 (VCV000659226.10), dbSNP rs1598177148, ClinGen allele CA397477844.
Genomic context (GRCh38, chr16:89,805,313, plus strand): 5'-AGAACCCGCATCTTGTCATGAACGCACCAGAAAGCATGGCCCTGGCGACGTCAGCATGCT[G>C]GCAGGATGCTTCCATCTGTTCACAAAGGCAGCACAGATTCCTGAAGAGCCACGATCCCAC-3'
Protein context (NP_000126.2, residues 216-236): CLCEQMEASC[Gln226Glu]HADVARAMLS